The following is an entry in ClinVar:

NM_032184.2(SYDE2):c.760G>A (p.Ala254Thr)

Gene: SYDE2 (synapse defective Rho GTPase homolog 2; minus strand). Cytogenetic location: 1p22.3.
Variant type: single nucleotide variant.
Coding change: c.760G>A on transcript NM_032184.2 (MANE Select); coding-DNA position 760, G replaced by A.
Protein change: p.Ala254Thr; replaces alanine 254 with threonine.
Molecular consequence: missense variant.
Genome position (GRCh38, 1-based): chr1:85,190,738, C>T on the plus strand (G>A on the coding strand, the complement: SYDE2 is on the minus strand). VCF-style: chr1-85190738-C-T. GRCh37 (hg19) VCF-style: chr1-85656421-C-T.
Other names: short protein forms A254T.
Identifiers: ClinVar variation 2638905 (VCV002638905.24), dbSNP rs192842795, ClinGen allele CA929396.

ClinVar aggregate classification (germline): Likely benign (1 of 4 stars; one submission).

Allele frequency attached by ClinVar (database versions not stated): 1000 Genomes Project 0.00060; 1000 Genomes Project 30x 0.00078; TOPMed 0.00317; gnomAD 0.00348; ExAC 0.00468; ESP Exome Variant Server 0.00536.
gnomAD v4.1: 7,592 of 1,595,744 alleles (0.48%); highest among the groups gnomAD compares: Non-Finnish European, 0.58%; 29 homozygotes.

Submission:

CeGaT Center for Human Genetics Tuebingen
Classification: Likely benign. Last evaluated: 2023-03-01. Review status: criteria provided, single submitter. Criteria: CeGaT Center For Human Genetics Tuebingen Variant Classification Criteria Version 2. Collection method: clinical testing. Allele origin: germline. Affected: yes. Observed: 1 variant allele.
Comment: SYDE2: BP4, BS2